The following is an entry in ClinVar:

NM_001365088.1(SLC12A6):c.1119-1G>A

Gene: SLC12A6 (solute carrier family 12 member 6; minus strand). Cytogenetic location: 15q14.
Variant type: single nucleotide variant.
Coding change: c.1119-1G>A on transcript NM_001365088.1 (MANE Select); the canonical splice acceptor site of the intron before coding-DNA position 1119, G replaced by A.
Molecular consequence: splice acceptor variant.
Genome position (GRCh38, 1-based): chr15:34,252,385, C>T on the plus strand (G>A on the coding strand, the complement: SLC12A6 is on the minus strand). VCF-style: chr15-34252385-C-T. GRCh37 (hg19) VCF-style: chr15-34544586-C-T.
Other names: c.942-1G>A (NM_001042495.2, NM_001042494.2); c.1092-1G>A (NM_001042496.2); c.1074-1G>A (NM_001042497.2); c.1119-1G>A (NM_133647.2); c.966-1G>A (NM_005135.2).
Identifiers: ClinVar variation 5039865 (VCV005039865.1).

ClinVar aggregate classification (germline): Pathogenic (1 of 4 stars; one submission).

Submission:

CeGaT Center for Human Genetics Tuebingen
Classification: Pathogenic. Last evaluated: 2026-08-01. Review status: criteria provided, single submitter. Criteria: CeGaT Center For Human Genetics Tuebingen Variant Classification Criteria Version 2. Collection method: clinical testing. Allele origin: germline. Affected: yes. Observed: 1 variant allele.
Comment: SLC12A6: PVS1, PM2